The following is an entry in ClinVar:

ClinVar aggregate classification (germline): Conflicting classifications of pathogenicity. Review status: criteria provided, conflicting classifications (1 of 4 stars). 5 submissions from 5 submitters: Uncertain significance (4); Likely benign (1). Last evaluated 2025-11-12.

Conditions:
Marfan syndrome (MFS). Also called: FBN1-Related Marfan Syndrome; Marfan syndrome, classic; MARFAN SYNDROME, TYPE I; Marfan syndrome type 1; Marfan's syndrome. Identifiers: Orphanet 284963, Orphanet 558, MedGen C0024796, MONDO:0007947, OMIM 154700.
Familial thoracic aortic aneurysm and aortic dissection (TAAD). Also called: Thoracic aortic aneurysms and dissections. Identifiers: Orphanet 91387, MedGen C4707243, MONDO:0019625.

Allele frequency attached by ClinVar (database versions not stated): ESP Exome Variant Server 0.00008; gnomAD exomes 0.00001 and below 0.00001; ExAC 0.00001; gnomAD 0.00001; TOPMed 0.00002.
gnomAD v4.1: 22 of 1,614,042 alleles (0.0014%); highest among the groups gnomAD compares: East Asian, 0.0089%; no homozygotes.

Submissions (5):

Women's Health and Genetics/Laboratory Corporation of America, LabCorp
Classification: Uncertain significance. Last evaluated: 2025-11-12. Review status: criteria provided, single submitter. Criteria: LabCorp Variant Classification Summary - May 2015. Collection method: clinical testing. Allele origin: germline.
Comment: Variant summary: FBN1 c.4106A>G (p.Asn1369Ser) results in a conservative amino acid change in the encoded protein sequence. Algorithms developed to predict the effect of missense changes on protein structure and function are either unavailable or do not agree on the potential impact of this missense change. The variant allele was found at a frequency of 4e-06 in 251348 control chromosomes (gnomAD). The available data on variant occurrences in the general population are insufficient to allow any conclusion about variant significance. c.4106A>G has been observed in one individual affected with Marfan Syndrome (Groth_2017). The report does not provide unequivocal conclusions about association of the variant with Marfan Syndrome. To our knowledge, no experimental evidence demonstrating an impact on protein function has been reported. The following publication have been ascertained in the context of this evaluation (PMID: 27906200). ClinVar contains an entry for this variant (Variation ID: 42348). Based on the evidence outlined above, the variant was classified as uncertain significance.

Labcorp Genetics (formerly Invitae), Labcorp
Classification: Likely benign for Marfan syndrome; Familial thoracic aortic aneurysm and aortic dissection. Last evaluated: 2025-08-06. Review status: criteria provided, single submitter. Criteria: Invitae Variant Classification Sherloc (09022015). Collection method: clinical testing. Allele origin: germline.

Color Diagnostics, LLC DBA Color Health
Classification: Uncertain significance for Familial thoracic aortic aneurysm and aortic dissection. Last evaluated: 2025-07-25. Review status: criteria provided, single submitter. Criteria: ACMG Guidelines, 2015. Collection method: clinical testing. Allele origin: germline.
Comment: This missense variant replaces asparagine with serine at codon 1369 of the FBN1 protein. Computational prediction suggests that this variant may not impact protein structure and function. To our knowledge, functional studies have not been reported for this variant. This variant has not been reported in individuals affected with FBN1-related disorders in the literature. This variant has been identified in 1/251348 chromosomes in the general population by the Genome Aggregation Database (gnomAD). The available evidence is insufficient to determine the role of this variant in disease conclusively. Therefore, this variant is classified as a Variant of Uncertain Significance.

All of Us Research Program, National Institutes of Health
Classification: Uncertain significance for Marfan syndrome. Last evaluated: 2023-10-23. Review status: criteria provided, single submitter. Criteria: ACMG Guidelines, 2015. Collection method: clinical testing. Allele origin: germline. Inheritance: Autosomal dominant inheritance. Observed: 2 variant alleles, 2 heterozygotes.
Comment: This missense variant replaces asparagine with serine at codon 1369 of the FBN1 protein. Computational prediction suggests that this variant may not impact protein structure and function (internally defined REVEL score threshold <= 0.5, PMID: 27666373). To our knowledge, functional studies have not been reported for this variant. This variant has not been reported in individuals affected with FBN1-related disorders in the literature. This variant has been identified in 1/251348 chromosomes in the general population by the Genome Aggregation Database (gnomAD). The available evidence is insufficient to determine the role of this variant in disease conclusively. Therefore, this variant is classified as a Variant of Uncertain Significance.

This study involves interpretation of variants in research participants for the purpose of population health screening. Participant phenotype was not available at the time of variant classification. Additional details can be found in publication PMID: 35346344, PMCID: PMC8962531

Laboratory for Molecular Medicine, Mass General Brigham Personalized Medicine
Classification: Uncertain significance. Last evaluated: 2012-01-30. Review status: criteria provided, single submitter. Criteria: LMM Criteria. Collection method: clinical testing. Allele origin: germline. Observed: 2 variant alleles.
Comment: The Asn1369Ser variant has not been reported in the literature nor previously id entified by our laboratory. Computational analyses (biochemical amino acid prop erties, conservation, PolyPhen2, SIFT, AlignGVGD) do not provide strong support for or against pathogenicity. In the absence of additional information, the cli nical significance of this variant cannot be determined at this time.

Literature cited by the submitters: PubMed 27906200 (cited by Women's Health and Genetics/Laboratory Corporation of America, LabCorp).

NM_000138.5(FBN1):c.4106A>G (p.Asn1369Ser)

Gene: FBN1 (fibrillin 1; minus strand). Cytogenetic location: 15q21.1.
Variant type: single nucleotide variant.
Coding change: c.4106A>G on transcript NM_000138.5 (MANE Select); coding-DNA position 4106, A replaced by G.
Protein change: p.Asn1369Ser; replaces asparagine 1369 with serine.
Molecular consequence: missense variant.
Genome position (GRCh38, 1-based): chr15:48,474,359, T>C on the plus strand (A>G on the coding strand, the complement: FBN1 is on the minus strand). VCF-style: chr15-48474359-T-C. GRCh37 (hg19) VCF-style: chr15-48766556-T-C.
Other names: short protein forms N1369S.
Identifiers: ClinVar variation 42348 (VCV000042348.17), dbSNP rs370923981, ClinGen allele CA014768.
Genomic context (GRCh38, chr15:48,474,359, plus strand): 5'-CAGCGGTAAGATCCCATGGTATTCTTGCAGTCTGCATGCTGGCTGCACATATGGGTTCCA[T>C]TGGAACATTCGTCCAGATCTTATAGAAAAAGGTTATATCATTATTAACAGAAAGGGTGGT-3'
Protein context (NP_000129.3, residues 1359-1379): IKCTDLDECS[Asn1369Ser]GTHMCSQHAD